The following continues an entry in ClinVar:

NM_000540.3(RYR1):c.130C>T (p.Arg44Cys)

Gene: RYR1. ClinVar aggregate classification (germline): Likely pathogenic; drug response. Likely pathogenic (1).

Submissions 12 to 19 of 19:

Women's Health and Genetics/Laboratory Corporation of America, LabCorp
Classification: Likely pathogenic for Malignant hyperthermia of anesthesia. Last evaluated: 2024-05-01. Review status: criteria provided, single submitter. Criteria: LabCorp Variant Classification Summary - May 2015. Collection method: clinical testing. Allele origin: germline. Not counted in ClinVar's aggregate classification.
Comment: Variant summary: RYR1 c.130C>T (p.Arg44Cys) results in a non-conservative amino acid change located in the Inositol 1,4,5-trisphosphate/ryanodine receptor domain (IPR014821) of the encoded protein sequence. Five of five in-silico tools predict a damaging effect of the variant on protein function. The variant allele was found at a frequency of 4.1e-06 in 241840 control chromosomes (gnomAD). c.130C>T has been reported in the literature in heterozygouis individuals affected with Malignant Hyperthermia Susceptibility (Tammaro_2003, Klinger_2014) and in the compound heterozygous state in individuals affected with RYR1-associated myopathy (Klein_2012, Wang_2022). These data indicate that the variant is likely to be associated with disease. At least one publication reports experimental evidence evaluating an impact on protein function, finding that the variant results in higher sensitivity to a RYR1 agonist (Sato_2013). The following publications have been ascertained in the context of this evaluation (PMID: 12709367, 23459219, 24433488, 22473935, 34595679). ClinVar contains an entry for this variant (Variation ID: 133045). Based on the evidence outlined above, the variant was classified as likely pathogenic.

Color Diagnostics, LLC DBA Color Health
Classification: Likely pathogenic for Malignant hyperthermia, susceptibility to, 1. Last evaluated: 2024-03-18. Review status: criteria provided, single submitter. Criteria: ACMG Guidelines, 2015. Collection method: clinical testing. Allele origin: germline. Not counted in ClinVar's aggregate classification.
Comment: This missense variant replaces arginine with cysteine at codon 44 of the RYR1 protein. Computational prediction suggests that this variant may have deleterious impact on protein structure and function. A functional study has shown that this variant increases sensitivity to RYR1 agonist 4-CmC in HEK293 cells (PMID: 23459219). This variant has been observed in three individuals affected with malignant hyperthermia susceptibility, including two related individuals (PMID: 12709367, 24433488). This variant has been identified in 1/241840 chromosomes in the general population by the Genome Aggregation Database (gnomAD). Based on the available evidence, this variant is classified as Likely Pathogenic.

All of Us Research Program, National Institutes of Health
Classification: Likely pathogenic for Malignant hyperthermia, susceptibility to, 1. Last evaluated: 2023-12-18. Review status: criteria provided, single submitter. Criteria: ACMG Guidelines, 2015. Collection method: clinical testing. Allele origin: germline. Inheritance: Autosomal dominant inheritance. Observed: 3 variant alleles, 3 heterozygotes. Not counted in ClinVar's aggregate classification.
Comment: This missense variant replaces arginine with cysteine at codon 44 of the RYR1 protein. Computational prediction suggests that this variant may have deleterious impact on protein structure and function (internally defined REVEL score threshold >= 0.7, PMID: 27666373). A functional study has shown that this variant affects the RYR1 calcium channel activity and results in an increased calcium release in a cell-based assay (PMID: 23459219). This variant has been observed in three individuals affected with malignant hyperthermia susceptibility, including two related individuals (PMID: 12709367, 24433488). This variant has been identified in 1/241840 chromosomes in the general population by the Genome Aggregation Database (gnomAD). Based on the available evidence, this variant is classified as Likely Pathogenic.

This study involves interpretation of variants in research participants for the purpose of population health screening. Participant phenotype was not available at the time of variant classification. Additional details can be found in publication PMID: 35346344, PMCID: PMC8962531

Revvity Omics, Revvity
Classification: Likely pathogenic. Last evaluated: 2019-11-18. Review status: criteria provided, single submitter. Criteria: ACMG Guidelines, 2015. Collection method: clinical testing. Allele origin: germline. Not counted in ClinVar's aggregate classification.

PreventionGenetics, part of Exact Sciences
Classification: Likely pathogenic. Last evaluated: 2013-11-19. Review status: criteria provided, single submitter. Criteria: ACMG Guidelines, 2015. Collection method: clinical testing. Allele origin: germline. Not counted in ClinVar's aggregate classification.

Neuberg Centre For Genomic Medicine, NCGM
Classification: Pathogenic for Central core myopathy. Review status: criteria provided, single submitter. Criteria: ACMG Guidelines, 2015. Collection method: clinical testing. Allele origin: germline. Inheritance: Autosomal recessive inheritance. Affected: yes. Not counted in ClinVar's aggregate classification.
Comment: The missense variantc.130C>T (p.Arg44Cys) in RYR1 gene has also been observed in combination with another RYR1 variant in an individual affected with central core disease (Treves S et.al.,2011).This variant has been reported to affect RYR1 protein function (Sato K et.al.,2013). This variant has also been reported with Malignant Hypertermia susceptibility in multiple patients.This variant has been reported to the ClinVar database as Pathogenic. The p.Arg44Cys variant is novel (not in any individuals) in 1000 Genomes and allele frequency of 0.0004135% is reported in gnomAD. The amino acid Arg at position 44 is changed to a Cys changing protein sequence and it might alter its composition and physico-chemical properties. The amino acid change p.Arg44Cys in RYR1 is predicted as conserved by GERP++ and PhyloP across 100 vertebrates. For these reasons, this variant has been classified as Pathogenic .

RYR1 database
No classification provided. Review status: no classification provided. Collection method: not provided. Allele origin: unknown. Not counted in ClinVar's aggregate classification.

Eurofins Ntd Llc (ga)
Classification: Uncertain significance. Last evaluated: 2017-02-08. Review status: flagged submission. Criteria: EGL Classification Definitions 2015. Collection method: clinical testing. Allele origin: germline. Observed: 1 variant allele, 1 heterozygote. Not counted in ClinVar's aggregate classification.
ClinVar note: Reason: Conflicts with expert reviewed submission without evidence to support different classification

Literature cited by the submitters: PubMed 12709367 (cited by 5 submitters); PubMed 24433488 (cited by 5 submitters); PubMed 23459219 (cited by 4 submitters); PubMed 16835904 (cited by Labcorp Genetics (formerly Invitae), Labcorp); PubMed 16917943 (cited by Labcorp Genetics (formerly Invitae), Labcorp); PubMed 22473935 (cited by Women's Health and Genetics/Laboratory Corporation of America, LabCorp); PubMed 34595679 (cited by Women's Health and Genetics/Laboratory Corporation of America, LabCorp).